The following is an entry in ClinVar:

NM_206933.4(USH2A):c.5306T>C (p.Leu1769Pro)

Genes: USH2A (usherin; minus strand), USH2A-AS2 (USH2A antisense RNA 2; plus strand). Cytogenetic location: 1q41.
Variant type: single nucleotide variant.
Coding change: c.5306T>C on transcript NM_206933.4 (MANE Select); coding-DNA position 5306, T replaced by C.
Protein change: p.Leu1769Pro; replaces leucine 1769 with proline.
Molecular consequence: missense variant.
Genome position (GRCh38, 1-based): chr1:216,078,355, A>G on the plus strand (T>C on the coding strand, the complement: USH2A is on the minus strand). VCF-style: chr1-216078355-A-G. GRCh37 (hg19) VCF-style: chr1-216251697-A-G.
Other names: short protein forms L1769P.
Identifiers: ClinVar variation 1351153 (VCV001351153.4), dbSNP rs2102554586, ClinGen allele CA344856655.

ClinVar aggregate classification (germline): Uncertain significance. Review status: criteria provided, multiple submitters, no conflicts (2 of 4 stars). 2 submissions from 2 submitters: Uncertain significance (2). Last evaluated 2022-07-12.

Allele frequency attached by ClinVar (database versions not stated): gnomAD exomes below 0.00001.
gnomAD v4.1: 2 of 1,613,490 alleles (0.00012%); highest among the groups gnomAD compares: Non-Finnish European, 0.00017%; no homozygotes.

Submissions (2):

Labcorp Genetics (formerly Invitae), Labcorp
Classification: Uncertain significance. Last evaluated: 2022-07-12. Review status: criteria provided, single submitter. Criteria: Invitae Variant Classification Sherloc (09022015). Collection method: clinical testing. Allele origin: germline.
Comment: This sequence change replaces leucine, which is neutral and non-polar, with proline, which is neutral and non-polar, at codon 1769 of the USH2A protein (p.Leu1769Pro). This variant is not present in population databases (gnomAD no frequency). This missense change has been observed in individual(s) with retinitis pigmentosa (Invitae). ClinVar contains an entry for this variant (Variation ID: 1351153). Algorithms developed to predict the effect of missense changes on protein structure and function are either unavailable or do not agree on the potential impact of this missense change (SIFT: "Deleterious"; PolyPhen-2: "Probably Damaging"; Align-GVGD: "Class C0"). In summary, the available evidence is currently insufficient to determine the role of this variant in disease. Therefore, it has been classified as a Variant of Uncertain Significance.

Blueprint Genetics
Classification: Uncertain significance. Last evaluated: 2022-04-07. Review status: criteria provided, single submitter. Criteria: ACMG Guidelines, 2015. Collection method: clinical testing. Allele origin: germline.